The following is an entry in ClinVar:

NM_000153.4(GALC):c.8A>T (p.Glu3Val)

Gene: GALC (galactosylceramidase; minus strand). Cytogenetic location: 14q31.3.
Variant type: single nucleotide variant.
Coding change: c.8A>T on transcript NM_000153.4 (MANE Select); coding-DNA position 8, A replaced by T.
Protein change: p.Glu3Val; replaces glutamic acid 3 with valine.
Molecular consequence: missense variant. On other transcripts: intron variant (1).
Genome position (GRCh38, 1-based): chr14:87,993,157, T>A on the plus strand (A>T on the coding strand, the complement: GALC is on the minus strand). VCF-style: chr14-87993157-T-A. GRCh37 (hg19) VCF-style: chr14-88459501-T-A.
Other names: c.8A>T, p.Glu3Val (NM_001201401.2); c.117+226A>T (NM_001201402.2); short protein forms E3V.
Identifiers: ClinVar variation 1514108 (VCV001514108.8), dbSNP rs2139770080, ClinGen allele CA390772165.

ClinVar aggregate classification (germline): Uncertain significance (1 of 4 stars; one submission).

Conditions:
Galactosylceramide beta-galactosidase deficiency. Also called: GALACTOCEREBROSIDASE DEFICIENCY; GALC DEFICIENCY; GLOBOID CELL LEUKOENCEPHALOPATHY; Leukodystrophy, Globoid Cell; Krabbe Disease. Identifiers: Orphanet 487, MedGen C0023521, MONDO:0009499, OMIM 245200.

Submission:

Labcorp Genetics (formerly Invitae), Labcorp
Classification: Uncertain significance for Galactosylceramide beta-galactosidase deficiency. Last evaluated: 2023-10-13. Review status: criteria provided, single submitter. Criteria: Invitae Variant Classification Sherloc (09022015). Collection method: clinical testing. Allele origin: germline.
Comment: This sequence change replaces glutamic acid, which is acidic and polar, with valine, which is neutral and non-polar, at codon 3 of the GALC protein (p.Glu3Val). This variant is not present in population databases (gnomAD no frequency). This variant has not been reported in the literature in individuals affected with GALC-related conditions. ClinVar contains an entry for this variant (Variation ID: 1514108). Advanced modeling of protein sequence and biophysical properties (such as structural, functional, and spatial information, amino acid conservation, physicochemical variation, residue mobility, and thermodynamic stability) performed at Invitae indicates that this missense variant is not expected to disrupt GALC protein function. In summary, the available evidence is currently insufficient to determine the role of this variant in disease. Therefore, it has been classified as a Variant of Uncertain Significance.